The following is an entry in ClinVar:

NM_182641.4(BPTF):c.4035_4036del (p.Cys1345_Glu1346delinsTer)

Gene: BPTF (bromodomain PHD finger transcription factor; plus strand). Cytogenetic location: 17q24.2.
Variant type: Microsatellite.
Coding change: c.4035_4036del on transcript NM_182641.4 (MANE Select); coding-DNA positions 4035 to 4036, 2 bases deleted (TG; older notation c.4035_4036delTG).
Protein change: p.Cys1345_Glu1346delinsTer.
Molecular consequence: nonsense.
Genome position (GRCh38, 1-based): chr17:67,911,919-67,911,920, TG deleted; deleting any 2 consecutive bases within chr17:67,911,917-67,911,920 gives the same sequence; the c. name uses the placement nearest the transcript's 3' end. VCF-style (leftmost placement, unchanged base first): chr17-67911916-CTG-C. GRCh37 (hg19) VCF-style: chr17-65908032-CTG-C.
Other names: c.4413_4414del, p.Cys1471_Glu1472delinsTer (NM_004459.7).
Identifiers: ClinVar variation 1694861 (VCV001694861.31), dbSNP rs2146936860, ClinGen allele CA2580613231.
Genomic context (GRCh38, chr17:67,911,916, plus strand): 5'-AGATGTTGAAGTCTTGGAGCCGTTAAAGTGTGAGTTGGTTTCTGGTGAGTCCACTGGAAA[CTG>C]TGAGGACAGGCTGCCGGTCAAGGGGACTGAAGCAAATGGTAAAAAACCAAGTCAGCAGAA-3'

ClinVar aggregate classification (germline): Pathogenic (1 of 4 stars; one submission).

Submission:

CeGaT Center for Human Genetics Tuebingen
Classification: Pathogenic. Last evaluated: 2022-06-01. Review status: criteria provided, single submitter. Criteria: CeGaT Center For Human Genetics Tuebingen Variant Classification Criteria Version 2. Collection method: clinical testing. Allele origin: germline. Affected: yes. Observed: 1 variant allele.
Comment: BPTF: PVS1, PM2